The following is an entry in ClinVar:

NM_001164508.2(NEB):c.3127_3129dup (p.Asn1043dup)

Gene: NEB (nebulin; minus strand). Cytogenetic location: 2q23.3.
Variant type: Duplication.
Coding change: c.3127_3129dup on transcript NM_001164508.2 (MANE Select); coding-DNA positions 3127 to 3129, 3 bases duplicated (AAT; older notation c.3127_3129dupAAT).
Protein change: p.Asn1043dup; duplicates asparagine 1043.
Molecular consequence: inframe insertion.
Genome position (GRCh38, 1-based): chr2:151,679,936-151,679,938, ATT duplicated on the plus strand (AAT on the coding strand, the reverse complement: NEB is on the minus strand); duplicating any 3 consecutive bases within chr2:151,679,936-151,679,939 gives the same sequence; the c. name uses the placement nearest the transcript's 3' end. VCF-style (leftmost placement, unchanged base first): chr2-151679935-C-CATT. GRCh37 (hg19) VCF-style: chr2-152536449-C-CATT.
Other names: NM_001164508.2(NEB):c.3127_3129dup; p.Asn1043dup; c.3127_3129dup, p.Asn1043dup (NM_001164507.2, NM_001271208.2, NM_004543.5).
Identifiers: ClinVar variation 534006 (VCV000534006.12), dbSNP rs1288870299, ClinGen allele CA536641600.

ClinVar aggregate classification (germline): Conflicting classifications of pathogenicity. Review status: criteria provided, conflicting classifications (1 of 4 stars). 4 submissions from 4 submitters: Likely pathogenic (1); Uncertain significance (2). 1 of the submissions does not count toward it. Last evaluated 2026-01-17.

Conditions:
Arthrogryposis multiplex congenita 6. Identifiers: MedGen C5543431, MONDO:0030281, OMIM 619334.
Nemaline myopathy 2 (NEM2). Also called: Nemaline myopathy 2, autosomal recessive. Identifiers: MedGen C1850569, MONDO:0009725, OMIM 256030.
Nemaline myopathy. Also called: Myopathies, Nemaline. Identifiers: Orphanet 607, MedGen C0206157, MONDO:0018958.

Submissions (4):

Labcorp Genetics (formerly Invitae), Labcorp
Classification: Likely pathogenic for Nemaline myopathy 2. Last evaluated: 2026-01-17. Review status: criteria provided, single submitter. Criteria: Invitae Variant Classification Sherloc (09022015). Collection method: clinical testing. Allele origin: germline.
Comment: This variant, c.3127_3129dup, results in the insertion of 1 amino acid(s) of the NEB protein (p.Asn1043dup), but otherwise preserves the integrity of the reading frame. This variant is present in population databases (no rsID available, gnomAD 0.006%). This variant has been observed in individual(s) with nemaline myopathy (internal data). In at least one individual the data is consistent with being in trans (on the opposite chromosome) from a pathogenic variant. It has also been observed to segregate with disease in related individuals. ClinVar contains an entry for this variant (Variation ID: 534006). Experimental studies and prediction algorithms are not available or were not evaluated, and the functional significance of this variant is currently unknown. In summary, the currently available evidence indicates that the variant is pathogenic, but additional data are needed to prove that conclusively. Therefore, this variant has been classified as Likely Pathogenic.

Broad Center for Mendelian Genomics, Broad Institute of MIT and Harvard
Classification: Uncertain significance for Nemaline myopathy. Last evaluated: 2025-03-21. Review status: criteria provided, single submitter. Criteria: ACMG Guidelines, 2015. Collection method: curation. Allele origin: germline. Inheritance: Autosomal recessive inheritance.
Comment: The p.Asn1043dup variant in NEB has not been reported in the literature in individuals with nemaline myopathy, but has been identified in 0.007% (4/60030) of Latino/Admixed American chromosomes by the Genome Aggregation Database (gnomAD; dbSNP ID: rs1288870299). Although this variant has been seen in the general population in a heterozygous state, its frequency is low enough to be consistent with a recessive carrier frequency. This variant has also been reported in ClinVar (Variation ID: 534006) and has been interpreted as likely pathogenic by Invitae and a variant of uncertain significance by Fulgent Genetics and Natera, Inc. This variant is an insertion of one amino acid at position 1043 and is not predicted to alter the protein reading-frame. It is unclear if this deletion will impact the protein. In summary, the clinical significance of the p.Asn1043dup variant is uncertain. ACMG/AMP Criteria applied:PM2_supporting, PM4_supporting (Richards 2015).

Fulgent Genetics
Classification: Uncertain significance for Nemaline myopathy 2; Arthrogryposis multiplex congenita 6. Last evaluated: 2022-04-18. Review status: criteria provided, single submitter. Criteria: ACMG Guidelines, 2015. Collection method: clinical testing. Allele origin: unknown.

Natera, Inc.
Classification: Uncertain significance for Nemaline myopathy type 2. Last evaluated: 2019-11-11. Review status: no assertion criteria provided. Collection method: clinical testing. Allele origin: germline. Not counted in ClinVar's aggregate classification.